The following is an entry in ClinVar:

ClinVar aggregate classification (germline): Uncertain significance (1 of 4 stars; one submission).

Conditions:
EGFR-related lung cancer (EGFR). Identifiers: MedGen CN130014.

Submission:

Labcorp Genetics (formerly Invitae), Labcorp
Classification: Uncertain significance for EGFR-related lung cancer. Last evaluated: 2021-02-01. Review status: criteria provided, single submitter. Criteria: Invitae Variant Classification Sherloc (09022015). Collection method: clinical testing. Allele origin: germline.
Comment: In summary, the available evidence is currently insufficient to determine the role of this variant in disease. Therefore, it has been classified as a Variant of Uncertain Significance. Algorithms developed to predict the effect of missense changes on protein structure and function are either unavailable or do not agree on the potential impact of this missense change (SIFT: "Tolerated"; PolyPhen-2: "Probably Damaging"; Align-GVGD: "Class C0"). This variant has not been reported in the literature in individuals with EGFR-related conditions. This variant is not present in population databases (ExAC no frequency). This sequence change replaces glutamine with histidine at codon 787 of the EGFR protein (p.Gln787His). The glutamine residue is moderately conserved and there is a small physicochemical difference between glutamine and histidine.

NM_005228.5(EGFR):c.2361G>T (p.Gln787His)

Genes: EGFR (epidermal growth factor receptor; plus strand), EGFR-AS1 (EGFR antisense RNA 1; minus strand). Cytogenetic location: 7p11.2.
Variant type: single nucleotide variant.
Coding change: c.2361G>T on transcript NM_005228.5 (MANE Select); coding-DNA position 2361, G replaced by T.
Protein change: p.Gln787His; replaces glutamine 787 with histidine.
Molecular consequence: missense variant. On other transcripts: non-coding transcript variant (1).
Genome position (GRCh38, 1-based): chr7:55,181,370, G>T. VCF-style: chr7-55181370-G-T. GRCh37 (hg19) VCF-style: chr7-55249063-G-T.
Other names: c.2226G>T, p.Gln742His (NM_001346897.2, NM_001346899.2); c.2361G>T, p.Gln787His (NM_001346898.2); c.2202G>T, p.Gln734His (NM_001346900.2); c.1560G>T, p.Gln520His (NM_001346941.2); short protein forms Q742H, Q520H, Q734H, Q787H.
Identifiers: ClinVar variation 1506320 (VCV001506320.8), dbSNP rs1050171, ClinGen allele CA367578836.